The following is an entry in ClinVar:

ClinVar aggregate classification (germline): Conflicting classifications of pathogenicity. Review status: criteria provided, conflicting classifications (1 of 4 stars). 8 submissions from 8 submitters: Uncertain significance (1); Benign (1); Likely benign (4). 2 of the submissions do not count toward it. Last evaluated 2026-09-01.

Conditions:
Hydrocephalus, nonsyndromic, autosomal recessive 2. Also called: Hydrocephalus, congenital, 2, with or without brain or eye anomalies. Identifiers: Orphanet 2185, MedGen C3554691, MONDO:0014085, OMIM 615219.

Allele frequency attached by ClinVar (database versions not stated): TOPMed 0.00320; gnomAD exomes 0.00421 and 0.00285; 1000 Genomes Project 0.00140; 1000 Genomes Project 30x 0.00156; ESP Exome Variant Server 0.00258; gnomAD 0.00293 and 0.00309; ExAC 0.00300.
gnomAD v4.1: 6,542 of 1,612,262 alleles (0.41%); highest among the groups gnomAD compares: Non-Finnish European, 0.5%; 21 homozygotes.

Submissions (8):

CeGaT Center for Human Genetics Tuebingen
Classification: Likely benign. Last evaluated: 2026-09-01. Review status: criteria provided, single submitter. Criteria: CeGaT Center For Human Genetics Tuebingen Variant Classification Criteria Version 2. Collection method: clinical testing. Allele origin: germline. Affected: yes. Observed: 7 variant alleles.
Comment: MPDZ: BP4, BS2

Labcorp Genetics (formerly Invitae), Labcorp
Classification: Likely benign. Last evaluated: 2026-02-02. Review status: criteria provided, single submitter. Criteria: Invitae Variant Classification Sherloc (09022015). Collection method: clinical testing. Allele origin: germline.

Blueprint Genetics
Classification: Likely benign. Last evaluated: 2024-11-19. Review status: criteria provided, single submitter. Criteria: ACMG Guidelines, 2015. Collection method: clinical testing. Allele origin: germline.

Baylor Genetics
Classification: Uncertain significance for Hydrocephalus, nonsyndromic, autosomal recessive 2. Last evaluated: 2018-04-02. Review status: criteria provided, single submitter. Criteria: ACMG Guidelines, 2015. Collection method: clinical testing. Allele origin: maternal. Affected: yes.
Comment: This variant was determined to be of uncertain significance according to ACMG Guidelines, 2015 [PMID:25741868].

Center for Pediatric Genomic Medicine, Children's Mercy Hospital and Clinics
Classification: Likely benign. Last evaluated: 2017-03-20. Review status: criteria provided, single submitter. Criteria: ACMG Guidelines, 2015. Collection method: clinical testing. Allele origin: germline.

Genetic Services Laboratory, University of Chicago
Classification: Benign. Last evaluated: 2013-04-08. Review status: criteria provided, single submitter. Criteria: ACMG Guidelines, 2007. Collection method: clinical testing. Allele origin: germline.

Clinical Genetics DNA and cytogenetics Diagnostics Lab, Erasmus MC, Erasmus Medical Center
Classification: Likely benign. Review status: no assertion criteria provided. Collection method: clinical testing. Allele origin: germline. Affected: yes. Study: VKGL Data-share Consensus. Not counted in ClinVar's aggregate classification.

Laboratory of Diagnostic Genome Analysis, Leiden University Medical Center (LUMC)
Classification: Likely benign. Review status: no assertion criteria provided. Collection method: clinical testing. Allele origin: germline. Affected: yes. Study: VKGL Data-share Consensus. Not counted in ClinVar's aggregate classification.

NM_001378778.1(MPDZ):c.1041G>C (p.Leu347Phe)

Gene: MPDZ (multiple PDZ domain crumbs cell polarity complex component; minus strand). Cytogenetic location: 9p23.
Variant type: single nucleotide variant.
Coding change: c.1041G>C on transcript NM_001378778.1 (MANE Select); coding-DNA position 1041, G replaced by C.
Protein change: p.Leu347Phe; replaces leucine 347 with phenylalanine.
Molecular consequence: missense variant.
Genome position (GRCh38, 1-based): chr9:13,219,604, C>G on the plus strand (G>C on the coding strand, the complement: MPDZ is on the minus strand). VCF-style: chr9-13219604-C-G. GRCh37 (hg19) VCF-style: chr9-13219603-C-G.
Other names: c.1041G>C, p.Leu347Phe (NM_001261406.2, NM_001261407.2, NM_001330637.2 and 14 more transcripts); short protein forms L347F.
Identifiers: ClinVar variation 211506 (VCV000211506.46), dbSNP rs34911705, ClinGen allele CA205061.